The following is an entry in ClinVar:

NM_000492.4(CFTR):c.3563C>T (p.Ser1188Leu)

Genes: CFTR (CF transmembrane conductance regulator; plus strand), CFTR-AS2 (CFTR antisense RNA 2; minus strand). Cytogenetic location: 7q31.2.
Variant type: single nucleotide variant.
Coding change: c.3563C>T on transcript NM_000492.4 (MANE Select); coding-DNA position 3563, C replaced by T.
Protein change: p.Ser1188Leu; replaces serine 1188 with leucine.
Molecular consequence: missense variant.
Genome position (GRCh38, 1-based): chr7:117,627,616, C>T. VCF-style: chr7-117627616-C-T. GRCh37 (hg19) VCF-style: chr7-117267670-C-T.
Other names: short protein forms S1188L.
Identifiers: ClinVar variation 828070 (VCV000828070.11), dbSNP rs1036123285, ClinGen allele CA164976575.

ClinVar aggregate classification (germline): Uncertain significance. Review status: criteria provided, multiple submitters, no conflicts (2 of 4 stars). 3 submissions from 3 submitters: Uncertain significance (2). 1 of the submissions does not count toward it. Last evaluated 2025-07-15.

Conditions:
CFTR-related disorder (CFTR-RD). Also called: CFTR-related condition; CFTR-related disorders. Identifiers: MedGen C5924204, MONDO:7770004.
Cystic fibrosis (CF). Also called: MUCOVISCIDOSIS. Identifiers: Orphanet 586, MedGen C0010674, MONDO:0009061, OMIM 219700. Disease mechanism: loss of function.

Allele frequency attached by ClinVar (database versions not stated): gnomAD exomes below 0.00001 and 0.00001.
gnomAD v4.1: 11 of 1,613,392 alleles (0.00068%); highest among the groups gnomAD compares: Admixed American, 0.0017%; no homozygotes.

Submissions (3):

Labcorp Genetics (formerly Invitae), Labcorp
Classification: Uncertain significance for Cystic fibrosis. Last evaluated: 2025-07-15. Review status: criteria provided, single submitter. Criteria: Invitae Variant Classification Sherloc (09022015). Collection method: clinical testing. Allele origin: germline.
Comment: This sequence change replaces serine, which is neutral and polar, with leucine, which is neutral and non-polar, at codon 1188 of the CFTR protein (p.Ser1188Leu). This variant is present in population databases (no rsID available, gnomAD 0.003%). This variant has not been reported in the literature in individuals affected with CFTR-related conditions. ClinVar contains an entry for this variant (Variation ID: 828070). Invitae Evidence Modeling of protein sequence and biophysical properties (such as structural, functional, and spatial information, amino acid conservation, physicochemical variation, residue mobility, and thermodynamic stability) has been performed for this missense variant. However, the output from this modeling did not meet the statistical confidence thresholds required to predict the impact of this variant on CFTR protein function. In summary, the available evidence is currently insufficient to determine the role of this variant in disease. Therefore, it has been classified as a Variant of Uncertain Significance.

Ambry Genetics
Classification: Uncertain significance for Cystic fibrosis. Last evaluated: 2023-05-22. Review status: criteria provided, single submitter. Criteria: Ambry Variant Classification Scheme 2023. Collection method: clinical testing. Allele origin: germline.
Comment: The p.S1188L variant (also known as c.3563C>T), located in coding exon 22 of the CFTR gene, results from a C to T substitution at nucleotide position 3563. The serine at codon 1188 is replaced by leucine, an amino acid with dissimilar properties. This amino acid position is well conserved in available vertebrate species. In addition, the in silico prediction for this alteration is inconclusive. Since supporting evidence is limited at this time, the clinical significance of this alteration remains unclear.

Natera, Inc.
Classification: Uncertain significance for CFTR-related disorders. Last evaluated: 2019-05-20. Review status: no assertion criteria provided. Collection method: clinical testing. Allele origin: germline. Not counted in ClinVar's aggregate classification.